The following is an entry in ClinVar:

NM_000384.3(APOB):c.13448C>T (p.Ala4483Val)

Gene: APOB (apolipoprotein B; minus strand). Cytogenetic location: 2p24.1.
Variant type: single nucleotide variant.
Coding change: c.13448C>T on transcript NM_000384.3 (MANE Select); coding-DNA position 13448, C replaced by T.
Protein change: p.Ala4483Val; replaces alanine 4483 with valine.
Molecular consequence: missense variant.
Genome position (GRCh38, 1-based): chr2:21,001,974, G>A on the plus strand (C>T on the coding strand, the complement: APOB is on the minus strand). VCF-style: chr2-21001974-G-A. GRCh37 (hg19) VCF-style: chr2-21224846-G-A.
Other names: short protein forms A4483V.
Identifiers: ClinVar variation 237740 (VCV000237740.19), dbSNP rs147416761, ClinGen allele CA052795.

ClinVar aggregate classification (germline): Conflicting classifications of pathogenicity. Review status: criteria provided, conflicting classifications (1 of 4 stars). 4 submissions from 4 submitters: Uncertain significance (3); Benign (1). Last evaluated 2025-10-21.

Conditions:
Cardiovascular phenotype. Identifiers: MedGen CN230736.
Familial hypobetalipoproteinemia 1. Also called: Hypobetalipoproteinemia, normotriglyceridemic; Acanthocytosis with hypobetalipoproteinemia; APOB-Related Familial Hypobetalipoproteinemia. Identifiers: MedGen C4551990, MONDO:0014252, OMIM 615558.
Hypercholesterolemia, autosomal dominant, type B (FHCL2). Also called: Familial Hypercholesterolemia Type B; APOB-Related Familial Hypercholesterolemia, Autosomal Dominant; Hyperlipoproteinemia Type IIb; Familial hypercholesterolemia 2; APOLIPOPROTEIN B-100, FAMILIAL DEFECTIVE; APOLIPOPROTEIN B-100, FAMILIAL LIGAND-DEFECTIVE. Identifiers: MedGen C1704417, MONDO:0007751, OMIM 144010.

Allele frequency attached by ClinVar (database versions not stated): ExAC 0.00002; gnomAD 0.00003; TOPMed 0.00005; ESP Exome Variant Server 0.00008.
gnomAD v4.1: 41 of 1,613,818 alleles (0.0025%); highest among the groups gnomAD compares: African/African-American, 0.0053%; no homozygotes.

Submissions (4):

Labcorp Genetics (formerly Invitae), Labcorp
Classification: Benign for Familial hypobetalipoproteinemia 1; Hypercholesterolemia, autosomal dominant, type B. Last evaluated: 2025-10-21. Review status: criteria provided, single submitter. Criteria: Invitae Variant Classification Sherloc (09022015). Collection method: clinical testing. Allele origin: germline.

Ambry Genetics
Classification: Uncertain significance for Cardiovascular phenotype. Last evaluated: 2025-08-28. Review status: criteria provided, single submitter. Criteria: Ambry Variant Classification Scheme 2023. Collection method: clinical testing. Allele origin: germline.
Comment: The p.A4483V variant (also known as c.13448C>T), located in coding exon 29 of the APOB gene, results from a C to T substitution at nucleotide position 13448. The alanine at codon 4483 is replaced by valine, an amino acid with similar properties. This amino acid position is conserved. In addition, this alteration is predicted to be tolerated by in silico analysis. Since supporting evidence is limited at this time, the clinical significance of this alteration remains unclear.

GeneDx
Classification: Uncertain significance. Last evaluated: 2022-06-08. Review status: criteria provided, single submitter. Criteria: GeneDx Variant Classification Process June 2021. Collection method: clinical testing. Allele origin: germline. Affected: yes.
Comment: In silico analysis supports that this missense variant does not alter protein structure/function; Has not been previously published as pathogenic or benign to our knowledge

Fulgent Genetics
Classification: Uncertain significance for Hypercholesterolemia, autosomal dominant, type B; Familial hypobetalipoproteinemia 1. Last evaluated: 2021-08-17. Review status: criteria provided, single submitter. Criteria: ACMG Guidelines, 2015. Collection method: clinical testing. Allele origin: unknown.